The following is an entry in ClinVar:

NM_001844.5(COL2A1):c.115C>T (p.Gln39Ter)

Gene: COL2A1 (collagen type II alpha 1 chain; minus strand). Cytogenetic location: 12q13.11.
Variant type: single nucleotide variant.
Coding change: c.115C>T on transcript NM_001844.5 (MANE Select); coding-DNA position 115, C replaced by T.
Protein change: p.Gln39Ter; replaces glutamine 39 with a stop codon.
Molecular consequence: nonsense. On other transcripts: intron variant (1).
Genome position (GRCh38, 1-based): chr12:48,000,096, G>A on the plus strand (C>T on the coding strand, the complement: COL2A1 is on the minus strand). VCF-style: chr12-48000096-G-A. GRCh37 (hg19) VCF-style: chr12-48393879-G-A.
Other names: c.86-1665C>T (NM_033150.3); short protein forms Q39*.
Identifiers: ClinVar variation 943583 (VCV000943583.14), dbSNP rs1940161368, ClinGen allele CA384526708.

ClinVar aggregate classification (germline): Pathogenic. Review status: criteria provided, multiple submitters, no conflicts (2 of 4 stars). 3 submissions from 3 submitters: Pathogenic (3). Last evaluated 2023-08-25.

Conditions:
Inborn genetic diseases. Identifiers: MedGen C0950123, MeSH D030342.

Submissions (3):

GeneDx
Classification: Pathogenic. Last evaluated: 2023-08-25. Review status: criteria provided, single submitter. Criteria: GeneDx Variant Classification Process June 2021. Collection method: clinical testing. Allele origin: germline.
Comment: Observed in many affected patients with Stickler syndrome and segregates with disease in many affected individuals from two families in the published literature (Tompson et al., 2017; Stone et al., 2017); Identified in a patient with a complex connective tissue phenotype who harbored both a de novo TGFBR2 variant and p.Gln39* in COL2A1; the authors considered this patient to have dual diagnosis of Loeys-Dietz syndrome-2 and Stickler syndrome (Riise et al., 2018); Not observed at significant frequency in large population cohorts (gnomAD); Nonsense variant predicted to result in protein truncation or nonsense mediated decay in a gene for which loss of function is a known mechanism of disease; This variant is associated with the following publications: (PMID: 28095098, 30170566, 28559085)

Labcorp Genetics (formerly Invitae), Labcorp
Classification: Pathogenic. Last evaluated: 2022-07-23. Review status: criteria provided, single submitter. Criteria: Invitae Variant Classification Sherloc (09022015). Collection method: clinical testing. Allele origin: germline.
Comment: This sequence change creates a premature translational stop signal (p.Gln39*) in the COL2A1 gene. It is expected to result in an absent or disrupted protein product. Loss-of-function variants in COL2A1 are known to be pathogenic (PMID: 20179744). This variant is not present in population databases (gnomAD no frequency). This premature translational stop signal has been observed in individual(s) with autosomal dominant Stickler syndrome (PMID: 28095098, 30170566). ClinVar contains an entry for this variant (Variation ID: 943583). Algorithms developed to predict the effect of sequence changes on RNA splicing suggest that this variant may disrupt the consensus splice site. For these reasons, this variant has been classified as Pathogenic.

Ambry Genetics
Classification: Pathogenic for Inborn genetic diseases. Last evaluated: 2018-11-16. Review status: criteria provided, single submitter. Criteria: Ambry exome assertion method (8-5-2015). Collection method: clinical testing. Allele origin: germline. Affected: yes. Observed: 1 variant allele.

Literature cited by the submitters: PubMed 20179744 (cited by Labcorp Genetics (formerly Invitae), Labcorp); PubMed 28095098 (cited by Labcorp Genetics (formerly Invitae), Labcorp); PubMed 30170566 (cited by Labcorp Genetics (formerly Invitae), Labcorp and Ambry Genetics).